The following is an entry in ClinVar:

ClinVar aggregate classification (germline): Likely benign (0 of 4 stars; one submission).

Conditions:
BAZ2B-related disorder. Also called: BAZ2B-related condition.

Allele frequency attached by ClinVar (database versions not stated): gnomAD 0.00001; ExAC 0.00002; TOPMed 0.00002.
gnomAD v4.1: 35 of 1,609,780 alleles (0.0022%); highest among the groups gnomAD compares: Middle Eastern, 0.017%; no homozygotes.

Submission:

PreventionGenetics, part of Exact Sciences
Classification: Likely benign for BAZ2B-related condition. Last evaluated: 2019-06-06. Review status: no assertion criteria provided. Collection method: clinical testing. Allele origin: germline.
Comment: This variant is classified as likely benign based on ACMG/AMP sequence variant interpretation guidelines (Richards et al. 2015 PMID: 25741868, with internal and published modifications).

NM_013450.4(BAZ2B):c.5455-9G>C

Gene: BAZ2B (bromodomain adjacent to zinc finger domain 2B; minus strand). Cytogenetic location: 2q24.2.
Variant type: single nucleotide variant.
Coding change: c.5455-9G>C on transcript NM_013450.4 (MANE Select); 9 bases into the intron before coding-DNA position 5455, G replaced by C.
Molecular consequence: intron variant.
Genome position (GRCh38, 1-based): chr2:159,337,781, C>G on the plus strand (G>C on the coding strand, the complement: BAZ2B is on the minus strand). VCF-style: chr2-159337781-C-G. GRCh37 (hg19) VCF-style: chr2-160194292-C-G.
Other names: c.5347-9G>C (NM_001289975.1); c.5293-9G>C (NM_001329857.2); c.5380-9G>C (NM_001329858.2).
Identifiers: ClinVar variation 3044358 (VCV003044358.2), dbSNP rs201634510, ClinGen allele CA1923867.